The following is an entry in ClinVar:

NM_000782.5(CYP24A1):c.1390G>C (p.Gly464Arg)

Gene: CYP24A1 (cytochrome P450 family 24 subfamily A member 1; minus strand). Cytogenetic location: 20q13.2.
Variant type: single nucleotide variant.
Coding change: c.1390G>C on transcript NM_000782.5 (MANE Select); coding-DNA position 1390, G replaced by C.
Protein change: p.Gly464Arg; replaces glycine 464 with arginine.
Molecular consequence: missense variant. On other transcripts: intron variant (3).
Genome position (GRCh38, 1-based): chr20:54,157,432, C>G on the plus strand (G>C on the coding strand, the complement: CYP24A1 is on the minus strand). VCF-style: chr20-54157432-C-G. GRCh37 (hg19) VCF-style: chr20-52773971-C-G.
Other names: c.1390G>C, p.Gly464Arg (NM_001424340.1, NM_001424341.1); c.1237-143G>C (NM_001128915.2, NM_001424343.1, NM_001424342.1); c.1390G>C (NM_000782.4); short protein forms G464R.
Identifiers: ClinVar variation 2716855 (VCV002716855.4), dbSNP rs750898889, ClinGen allele CA409394413.

ClinVar aggregate classification (germline): Uncertain significance. Review status: criteria provided, multiple submitters, no conflicts (2 of 4 stars). 2 submissions from 2 submitters: Uncertain significance (2). Last evaluated 2025-02-24.

Conditions:
Inborn genetic diseases. Identifiers: MedGen C0950123, MeSH D030342.

gnomAD v4.1: 5 of 1,606,708 alleles (0.00031%); highest among the groups gnomAD compares: South Asian, 0.0033%; no homozygotes.

Submissions (2):

Ambry Genetics
Classification: Uncertain significance for Inborn genetic diseases. Last evaluated: 2025-02-24. Review status: criteria provided, single submitter. Criteria: Ambry Variant Classification Scheme 2023. Collection method: clinical testing. Allele origin: germline.

Labcorp Genetics (formerly Invitae), Labcorp
Classification: Uncertain significance. Last evaluated: 2023-08-14. Review status: criteria provided, single submitter. Criteria: Invitae Variant Classification Sherloc (09022015). Collection method: clinical testing. Allele origin: germline.
Comment: This sequence change replaces glycine, which is neutral and non-polar, with arginine, which is basic and polar, at codon 464 of the CYP24A1 protein (p.Gly464Arg). This variant is not present in population databases (gnomAD no frequency). This variant has not been reported in the literature in individuals affected with CYP24A1-related conditions. Advanced modeling of protein sequence and biophysical properties (such as structural, functional, and spatial information, amino acid conservation, physicochemical variation, residue mobility, and thermodynamic stability) has been performed at Invitae for this missense variant, however the output from this modeling did not meet the statistical confidence thresholds required to predict the impact of this variant on CYP24A1 protein function. In summary, the available evidence is currently insufficient to determine the role of this variant in disease. Therefore, it has been classified as a Variant of Uncertain Significance.